The following is an entry in ClinVar:

ClinVar aggregate classification (germline): Uncertain significance (1 of 4 stars; one submission).

Conditions:
Marfan syndrome (MFS). Also called: MARFAN SYNDROME, TYPE I; Marfan syndrome type 1; Marfan's syndrome; Marfan syndrome, classic; FBN1-Related Marfan Syndrome. Identifiers: Orphanet 284963, Orphanet 558, MedGen C0024796, MONDO:0007947, OMIM 154700.

Submission:

All of Us Research Program, National Institutes of Health
Classification: Uncertain significance for Marfan syndrome. Last evaluated: 2023-10-06. Review status: criteria provided, single submitter. Criteria: ACMG Guidelines, 2015. Collection method: clinical testing. Allele origin: germline. Inheritance: Autosomal dominant inheritance. Observed: 1 variant allele, 1 heterozygote.
Comment: This missense variant replaces threonine with asparagine at codon 2529 of the FBN1 protein. Computational prediction tool suggests that this variant may not impact protein structure and function (internally defined REVEL score threshold <=0.5, PMID: 27666373). To our knowledge, functional studies have not been reported for this variant. This variant has not been reported in individuals affected with FBN1-related disorders in the literature. This variant has not been identified in the general population by the Genome Aggregation Database (gnomAD). The available evidence is insufficient to determine the role of this variant in disease conclusively. Therefore, this variant is classified as a Variant of Uncertain Significance.

This study involves interpretation of variants in research participants for the purpose of population health screening. Participant phenotype was not available at the time of variant classification. Additional details can be found in publication PMID: 35346344, PMCID: PMC8962531

NM_000138.5(FBN1):c.7586C>A (p.Thr2529Asn)

Gene: FBN1 (fibrillin 1; minus strand). Cytogenetic location: 15q21.1.
Variant type: single nucleotide variant.
Coding change: c.7586C>A on transcript NM_000138.5 (MANE Select); coding-DNA position 7586, C replaced by A.
Protein change: p.Thr2529Asn; replaces threonine 2529 with asparagine.
Molecular consequence: missense variant.
Genome position (GRCh38, 1-based): chr15:48,421,671, G>T on the plus strand (C>A on the coding strand, the complement: FBN1 is on the minus strand). VCF-style: chr15-48421671-G-T. GRCh37 (hg19) VCF-style: chr15-48713868-G-T.
Other names: c.7586C>A, p.Thr2529Asn (NM_001406716.1); short protein forms T2529N.
Identifiers: ClinVar variation 3073724 (VCV003073724.1), dbSNP rs2505398218, ClinGen allele CA392325776.
Genomic context (GRCh38, chr15:48,421,671, plus strand): 5'-GTGAAGCTTCCAGGAGTGTTCTGGCAAATGCCCTTAGACCCGCACAGATTGATGTCAGAG[G>T]TGCATTCATTGTTATCTATGAGAAGCAGTGGGGGCAAAGAGGGGTTAAAATTCCCCAAAG-3'
Protein context (NP_000129.3, residues 2519-2539): HTSCIDNNEC[Thr2529Asn]SDINLCGSKG